The following is an entry in ClinVar:

NM_001323289.2(CDKL5):c.146-1G>A

Gene: CDKL5 (cyclin dependent kinase like 5; plus strand). Cytogenetic location: Xp22.13.
Variant type: single nucleotide variant.
Coding change: c.146-1G>A on transcript NM_001323289.2 (MANE Select); the canonical splice acceptor site of the intron before coding-DNA position 146, G replaced by A.
Molecular consequence: splice acceptor variant.
Genome position (GRCh38, 1-based): chrX:18,575,353, G>A. VCF-style: chrX-18575353-G-A. GRCh37 (hg19) VCF-style: chrX-18593473-G-A.
Other names: c.146-1G>A (NM_003159.3, NM_001037343.2).
Identifiers: ClinVar variation 158179 (VCV000158179.48), dbSNP rs587783399, ClinGen allele CA171613.
Genomic context (GRCh38, chrX:18,575,353, plus strand): 5'-TTCTTTGAATAGTAGCTTGAAAGTTTTCATTTTAGTCTCTTCACCATTGTTTACATTCTA[G>A]AAAATGAAGAAGTCAAAGAAACGACTTTACGAGAGCTTAAAATGCTTCGGACTCTCAAGC-3'

ClinVar aggregate classification (germline): Pathogenic. Review status: reviewed by expert panel (3 of 4 stars). 4 submissions from 4 submitters: Pathogenic (1). 3 of the submissions do not count toward it. Last evaluated 2024-06-25.

Conditions:
CDKL5 disorder. Identifiers: MedGen CN296942, MONDO:0100039.
Developmental and epileptic encephalopathy, 2 (DEE2). Also called: CDKL5 deficiency disorder; INFANTILE SPASM SYNDROME, X-LINKED 2. Identifiers: Orphanet 1934, Orphanet 3451, Orphanet 505652, MedGen C4750718, MONDO:0010396, OMIM 300672.

Submissions (4):

ClinGen Rett and Angelman-like Disorders Variant Curation Expert Panel
Classification: Pathogenic for CDKL5 disorder. Last evaluated: 2024-06-25. Review status: reviewed by expert panel. Criteria: ClinGen RettAS ACMG Specifications CDKL5 V3.0.0. Collection method: curation. Allele origin: germline. Inheritance: X-linked inheritance.
Comment: The c.146-1G>A variant in CDKL5 (NM_001323289.2) is absent from gnomAD v2 (PM2_supporting). The c.146-1G>A variant in CDKL5 is predicted to affect a canonical splice site and lead to a truncated or absent protein in a CDKL5 where loss-of-function is an established mechanism. There is significant evidence that loss of this region of the gene is pathogenic (PVS1). The c.146-1G>A variant has been reported in an individual with a clinical phenotype suggestive of CDKL5 disorder (internal database - International CDKL5 Disorder Database) (PP4). The c.146-1G>A variant in CDKL5 has been reported in at least 2 de novo occurrences (biological parentage unconfirmed) in individuals with CDKL5 disorder (internal database - International CDKL5 Disorder Database) (PM6_strong). In summary, the c.146-1G>A variant in CDKL5 is classified as pathogenic for CDKL5 disorder based on the ACMG/AMP criteria (PM2_supporting, PVS1, PP4, PM6_strong).

Centre for Population Genomics, CPG
Classification: Likely pathogenic for CDKL5 disorder. Last evaluated: 2024-07-15. Review status: criteria provided, single submitter. Criteria: McKnight et al. (Hum Mutat. 2022). Collection method: curation. Allele origin: germline. Inheritance: X-linked inheritance. Not counted in ClinVar's aggregate classification.
Comment: This variant has been collected from RettBASE and curated to current modified ACMG/AMP criteria. Based on the classification scheme defined by the ClinGen Rett/Angelman-like Expert Panel for Rett/AS-like Disorders Specifications to the ACMG/AMP Variant Interpretation Guidelines VCEP 3.0, this variant is classified as likely pathogenic. At least the following criteria are met: Predicted to result in loss of function, and LOF is a known mechanism of disease (PVS1). This variant is absent from gnomAD (PM2_Supporting). Has been observed in 1 individual with phenotypes consistent with CDKL5 disorder (PMID: 25657822).

CeGaT Center for Human Genetics Tuebingen
Classification: Pathogenic. Last evaluated: 2019-04-01. Review status: criteria provided, single submitter. Criteria: CeGaT Center For Human Genetics Tuebingen Variant Classification Criteria Version 2. Collection method: clinical testing. Allele origin: germline. Affected: yes. Observed: 1 variant allele. Not counted in ClinVar's aggregate classification.

Genetic Services Laboratory, University of Chicago
Classification: Pathogenic for Epileptic encephalopathy, early infantile, 2. Last evaluated: 2013-02-08. Review status: criteria provided, single submitter. Criteria: ACMG Guidelines, 2007. Collection method: clinical testing. Allele origin: germline. Inheritance: X-linked inheritance. Affected: yes. Not counted in ClinVar's aggregate classification.